The following is an entry in ClinVar:

NM_004612.4(TGFBR1):c.491C>G (p.Pro164Arg)

Gene: TGFBR1 (transforming growth factor beta receptor 1; plus strand). Cytogenetic location: 9q22.33.
Variant type: single nucleotide variant.
Coding change: c.491C>G on transcript NM_004612.4 (MANE Select); coding-DNA position 491, C replaced by G.
Protein change: p.Pro164Arg; replaces proline 164 with arginine.
Molecular consequence: missense variant. On other transcripts: non-coding transcript variant (4), intron variant (3).
Genome position (GRCh38, 1-based): chr9:99,132,656, C>G. VCF-style: chr9-99132656-C-G. GRCh37 (hg19) VCF-style: chr9-101894938-C-G.
Other names: c.503C>G, p.Pro168Arg (NM_001306210.2, NM_001407416.1); c.491C>G, p.Pro164Arg (NM_001407417.1, NM_001407435.1); c.296C>G, p.Pro99Arg (NM_001407418.1, NM_001407419.1, NM_001407420.1 and 1 more transcripts); c.284C>G, p.Pro95Arg (NM_001407423.1, NM_001407424.1, NM_001407425.1 and 8 more transcripts); c.245C>G, p.Pro82Arg (NM_001407436.1); c.343+3556C>G (NM_001130916.3); c.98-5203C>G (NM_001407438.1); c.98-9880C>G (NM_001407437.1); short protein forms P164R, P168R, P82R, P95R, P99R.
Identifiers: ClinVar variation 3224338 (VCV003224338.2), dbSNP rs1362410531, ClinGen allele CA374228218.
Genomic context (GRCh38, chr9:99,132,656, plus strand): 5'-TGGTCTATATCTGCCACAACCGCACTGTCATTCACCATCGAGTGCCAAATGAAGAGGACC[C>G]TTCATTAGATCGCCCTTTTATTTCAGAGGGTACTACGTTGAAAGACTTAATTTATGATAT-3'
Protein context (NP_004603.1, residues 154-174): IHHRVPNEED[Pro164Arg]SLDRPFISEG

ClinVar aggregate classification (germline): Uncertain significance. Review status: criteria provided, multiple submitters, no conflicts (2 of 4 stars). 2 submissions from 2 submitters: Uncertain significance (2). Last evaluated 2024-03-04.

Conditions:
Familial thoracic aortic aneurysm and aortic dissection (TAAD). Also called: Thoracic aortic aneurysms and dissections. Identifiers: Orphanet 91387, MedGen C4707243, MONDO:0019625.

Allele frequency attached by ClinVar (database versions not stated): TOPMed below 0.00001; gnomAD 0.00001; gnomAD exomes 0.00001.
gnomAD v4.1: 9 of 1,613,988 alleles (0.00056%); highest among the groups gnomAD compares: Non-Finnish European, 0.00076%; no homozygotes.

Submissions (2):

Color Diagnostics, LLC DBA Color Health
Classification: Uncertain significance for Familial thoracic aortic aneurysm and aortic dissection. Last evaluated: 2024-03-04. Review status: criteria provided, single submitter. Criteria: ACMG Guidelines, 2015. Collection method: clinical testing. Allele origin: germline.
Comment: This missense variant replaces proline with arginine at codon 164 of the TGFBR1 protein. Computational prediction suggests that this variant may not impact protein structure and function (internally defined REVEL score threshold <= 0.5, PMID: 27666373). To our knowledge, functional studies have not been reported for this variant. This variant has not been reported in individuals affected with TGFBR1-related disorders in the literature. This variant has not been identified in the general population by the Genome Aggregation Database (gnomAD). The available evidence is insufficient to determine the role of this variant in disease conclusively. Therefore, this variant is classified as a Variant of Uncertain Significance.

Ambry Genetics
Classification: Uncertain significance for Familial thoracic aortic aneurysm and aortic dissection. Last evaluated: 2023-10-08. Review status: criteria provided, single submitter. Criteria: Ambry Variant Classification Scheme 2023. Collection method: clinical testing. Allele origin: germline.
Comment: The p.P164R variant (also known as c.491C>G), located in coding exon 3 of the TGFBR1 gene, results from a C to G substitution at nucleotide position 491. The proline at codon 164 is replaced by arginine, an amino acid with dissimilar properties. This amino acid position is conserved. In addition, this alteration is predicted to be deleterious by in silico analysis. Since supporting evidence is limited at this time, the clinical significance of this alteration remains unclear.